The following is an entry in ClinVar:

ClinVar aggregate classification (germline): Uncertain significance. Review status: criteria provided, multiple submitters, no conflicts (2 of 4 stars). 2 submissions from 2 submitters: Uncertain significance (2). Last evaluated 2025-12-01.

Conditions:
Paramyotonia congenita of Von Eulenburg. Also called: PARALYSIS PERIODICA PARAMYOTONICA; Paramyotonia Congenita; Eulenburg disease; Myotonia congenita intermittens; Von Eulenburg paramyotonia congenita. Identifiers: Orphanet 684, MedGen C0221055, MONDO:0008195, OMIM 168300. Disease mechanism: loss of function.
Congenital myasthenic syndrome 16. Identifiers: Orphanet 590, MedGen C3280112, MONDO:0013620, OMIM 614198.
Potassium-aggravated myotonia. Also called: MYOTONIA CONGENITA, ACETAZOLAMIDE-RESPONSIVE; MYOTONIA CONGENITA, ATYPICAL; SODIUM CHANNEL MUSCLE DISEASE; Myotonia congenita, atypical, acetazolamide-responsive. Identifiers: Orphanet 612, Orphanet 99734, Orphanet 99735, Orphanet 99736, MedGen C2931826, MONDO:0018959, OMIM 608390.
Hypokalemic periodic paralysis, type 2 (HOKPP2). Identifiers: Orphanet 681, MedGen C2750061, MONDO:0013234, OMIM 613345.
Hyperkalemic periodic paralysis. Also called: Familial hyperkalemic periodic paralysis; Gamstorp disease. Identifiers: Orphanet 682, MedGen C0238357, MONDO:0008224, OMIM 170500, HP:0007215.
Congenital myopathy 22A, classic (CMYO22A). Identifiers: MedGen C5830453, MONDO:0957247, OMIM 620351.
Congenital myopathy 22B, severe fetal (CMYO22B). Identifiers: MedGen C5830501, MONDO:0957265, OMIM 620369.

Allele frequency attached by ClinVar (database versions not stated): gnomAD 0.00002 and 0.00003; TOPMed 0.00006.

Submissions (2):

Labcorp Genetics (formerly Invitae), Labcorp
Classification: Uncertain significance for Hyperkalemic periodic paralysis. Last evaluated: 2025-12-01. Review status: criteria provided, single submitter. Criteria: Invitae Variant Classification Sherloc (09022015). Collection method: clinical testing. Allele origin: germline.
Comment: This sequence change falls in intron 19 of the SCN4A gene. It does not directly change the encoded amino acid sequence of the SCN4A protein. This variant is not present in population databases (gnomAD no frequency). This variant has not been reported in the literature in individuals affected with SCN4A-related conditions. ClinVar contains an entry for this variant (Variation ID: 1421939). Algorithms developed to predict the effect of sequence changes on RNA splicing suggest that this variant may disrupt the consensus splice site. In summary, the available evidence is currently insufficient to determine the role of this variant in disease. Therefore, it has been classified as a Variant of Uncertain Significance.

Fulgent Genetics
Classification: Uncertain significance for Paramyotonia congenita of Von Eulenburg; Hyperkalemic periodic paralysis; Potassium-aggravated myotonia; Hypokalemic periodic paralysis, type 2; Congenital myasthenic syndrome 16; Congenital myopathy 22A, classic; Congenital myopathy 22B, severe fetal. Last evaluated: 2024-04-04. Review status: criteria provided, single submitter. Criteria: ACMG Guidelines, 2015. Collection method: clinical testing. Allele origin: germline.

NM_000334.4(SCN4A):c.3721-14C>G

Genes: GH-LCR (growth hormone locus control region; plus strand), SCN4A (sodium voltage-gated channel alpha subunit 4; minus strand). Cytogenetic location: 17q23.3.
Variant type: single nucleotide variant.
Coding change: c.3721-14C>G on transcript NM_000334.4 (MANE Select); 14 bases into the intron before coding-DNA position 3721, C replaced by G.
Molecular consequence: intron variant.
Genome position (GRCh38, 1-based): chr17:63,945,074, G>C on the plus strand (C>G on the coding strand, the complement: SCN4A is on the minus strand). VCF-style: chr17-63945074-G-C. GRCh37 (hg19) VCF-style: chr17-62022434-G-C.
Identifiers: ClinVar variation 1421939 (VCV001421939.7), dbSNP rs761700338, ClinGen allele CA774009035.